The following is an entry in ClinVar:

NM_177402.5(SYT2):c.653G>C (p.Gly218Ala)

Gene: SYT2 (synaptotagmin 2; minus strand). Cytogenetic location: 1q32.1.
Variant type: single nucleotide variant.
Coding change: c.653G>C on transcript NM_177402.5 (MANE Select); coding-DNA position 653, G replaced by C.
Protein change: p.Gly218Ala; replaces glycine 218 with alanine.
Molecular consequence: missense variant.
Genome position (GRCh38, 1-based): chr1:202,602,038, C>G on the plus strand (G>C on the coding strand, the complement: SYT2 is on the minus strand). VCF-style: chr1-202602038-C-G. GRCh37 (hg19) VCF-style: chr1-202571166-C-G.
Other names: c.653G>C, p.Gly218Ala (NM_001136504.1); short protein forms G218A.
Identifiers: ClinVar variation 2973791 (VCV002973791.3), dbSNP rs1263653085, ClinGen allele CA344257641.

ClinVar aggregate classification (germline): Uncertain significance (1 of 4 stars; one submission).

Allele frequency attached by ClinVar (database versions not stated): gnomAD 0.00002; TOPMed 0.00002.
gnomAD v4.1: 4 of 1,614,008 alleles (0.00025%); highest among the groups gnomAD compares: African/African-American, 0.0053%; no homozygotes.

Submission:

Labcorp Genetics (formerly Invitae), Labcorp
Classification: Uncertain significance. Last evaluated: 2024-11-04. Review status: criteria provided, single submitter. Criteria: Invitae Variant Classification Sherloc (09022015). Collection method: clinical testing. Allele origin: germline.
Comment: This sequence change replaces glycine, which is neutral and non-polar, with alanine, which is neutral and non-polar, at codon 218 of the SYT2 protein (p.Gly218Ala). This variant is not present in population databases (gnomAD no frequency). This variant has not been reported in the literature in individuals affected with SYT2-related conditions. ClinVar contains an entry for this variant (Variation ID: 2973791). Invitae Evidence Modeling of protein sequence and biophysical properties (such as structural, functional, and spatial information, amino acid conservation, physicochemical variation, residue mobility, and thermodynamic stability) indicates that this missense variant is not expected to disrupt SYT2 protein function with a negative predictive value of 80%. In summary, the available evidence is currently insufficient to determine the role of this variant in disease. Therefore, it has been classified as a Variant of Uncertain Significance.